The following is an entry in ClinVar:

ClinVar aggregate classification (germline): Uncertain significance (1 of 4 stars; one submission).

Conditions:
Inborn genetic diseases. Identifiers: MedGen C0950123, MeSH D030342.

Allele frequency attached by ClinVar (database versions not stated): gnomAD exomes below 0.00001; ExAC 0.00001; gnomAD 0.00001.
gnomAD v4.1: 4 of 1,613,758 alleles (0.00025%); highest among the groups gnomAD compares: South Asian, 0.0044%; no homozygotes.

Submission:

Ambry Genetics
Classification: Uncertain significance for Inborn genetic diseases. Last evaluated: 2023-09-29. Review status: criteria provided, single submitter. Criteria: Ambry Variant Classification Scheme 2023. Collection method: clinical testing. Allele origin: germline.
Comment: The p.Y1402H variant (also known as c.4204T>C), located in coding exon 30 of the LRRK2 gene, results from a T to C substitution at nucleotide position 4204. The tyrosine at codon 1402 is replaced by histidine, an amino acid with similar properties. This amino acid position is conserved. In addition, the in silico prediction for this alteration is inconclusive. Since supporting evidence is limited at this time, the clinical significance of this alteration remains unclear.

NM_198578.4(LRRK2):c.4204T>C (p.Tyr1402His)

Gene: LRRK2 (leucine rich repeat kinase 2; plus strand). Cytogenetic location: 12q12.
Variant type: single nucleotide variant.
Coding change: c.4204T>C on transcript NM_198578.4 (MANE Select); coding-DNA position 4204, T replaced by C.
Protein change: p.Tyr1402His; replaces tyrosine 1402 with histidine.
Molecular consequence: missense variant.
Genome position (GRCh38, 1-based): chr12:40,309,120, T>C. VCF-style: chr12-40309120-T-C. GRCh37 (hg19) VCF-style: chr12-40702922-T-C.
Other names: short protein forms Y1402H.
Identifiers: ClinVar variation 1738682 (VCV001738682.2), dbSNP rs762266941, ClinGen allele CA6514113.